The following is an entry in ClinVar:

NC_000016.9:g.(?_23619175)_(23649460_?)del

Gene: PALB2 (partner and localizer of BRCA2; minus strand). Cytogenetic location: 16p12.2.
Variant type: Deletion.
Identifiers: ClinVar variation 1426772 (VCV001426772.7).

ClinVar aggregate classification (germline): Pathogenic (1 of 4 stars; one submission).

Conditions:
Familial cancer of breast. Also called: Hereditary breast cancer; BREAST CANCER, FAMILIAL; hereditary breast carcinoma. Identifiers: Orphanet 227535, MedGen C0346153, MONDO:0016419, OMIM 114480. Disease mechanism: loss of function.

Submission:

Labcorp Genetics (formerly Invitae), Labcorp
Classification: Pathogenic for Familial cancer of breast. Last evaluated: 2021-06-14. Review status: criteria provided, single submitter. Criteria: Invitae Variant Classification Sherloc (09022015). Collection method: clinical testing. Allele origin: germline.
Comment: For these reasons, this variant has been classified as Pathogenic. This variant disrupts the WD40 domain of the PALB2 protein, which is essential for PALB2's function in DNA repair (PMID: 19423707, 16793542, 19609323). While functional studies have not been performed to directly test the effect of this variant on PALB2 protein function, this suggests that disruption of this region of the protein is causative of disease. This variant has not been reported in the literature in individuals with PALB2-related conditions. This variant is a gross deletion of the genomic region encompassing exon(s) 2-12 of the PALB2 gene. While this deletion is not anticipated to lead to nonsense mediated decay, it is expected to disrupt the C-terminus of the protein.

Literature cited by the submitters: PubMed 19423707; PubMed 16793542; PubMed 19609323.